The following is an entry in ClinVar:

NM_001330260.2(SCN8A):c.692T>C (p.Ile231Thr)

Gene: SCN8A (sodium voltage-gated channel alpha subunit 8; plus strand). Cytogenetic location: 12q13.13.
Variant type: single nucleotide variant.
Coding change: c.692T>C on transcript NM_001330260.2 (MANE Select); coding-DNA position 692, T replaced by C.
Protein change: p.Ile231Thr; replaces isoleucine 231 with threonine.
Molecular consequence: missense variant. On other transcripts: intron variant (2).
Genome position (GRCh38, 1-based): chr12:51,689,082, T>C. VCF-style: chr12-51689082-T-C. GRCh37 (hg19) VCF-style: chr12-52082866-T-C.
Other names: c.692T>C, p.Ile231Thr (NM_001369788.1); c.706+233T>C (NM_014191.4, NM_001177984.3); short protein forms I231T.
Identifiers: ClinVar variation 4086453 (VCV004086453.1).

ClinVar aggregate classification (germline): Pathogenic (1 of 4 stars; one submission).

Submission:

GeneDx
Classification: Pathogenic. Last evaluated: 2025-03-17. Review status: criteria provided, single submitter. Criteria: GeneDx Variant Classification Process June 2021. Collection method: clinical testing. Allele origin: germline. Affected: yes.
Comment: Published functional studies demonstrate a damaging effect on voltage dependence of activation and inactivation that supports both gain of function and loss of function mechanisms (PMID: 38771640); In silico analysis supports a deleterious effect on splicing; Not observed at significant frequency in large population cohorts (gnomAD); This substitution is predicted to be within the intracellular loop between the S4 and S5 transmembrane segments of the first homologous domain; Reported using an alternate transcript of the gene; This variant is associated with the following publications: (PMID: 29121005, 38771640)